The following is an entry in ClinVar:

ClinVar aggregate classification (germline): Uncertain significance. Review status: criteria provided, multiple submitters, no conflicts (2 of 4 stars). 3 submissions from 3 submitters: Uncertain significance (3). Last evaluated 2025-02-26.

Conditions:
Hereditary cancer-predisposing syndrome. Also called: Neoplastic Syndromes, Hereditary; Tumor predisposition; Hereditary Cancer Syndrome; Hereditary neoplastic syndrome. Identifiers: Orphanet 140162, MedGen C0027672, MeSH D009386, MONDO:0015356.

gnomAD v4.1: 3 of 1,610,930 alleles (0.00019%); highest among the groups gnomAD compares: Non-Finnish European, 0.00025%; no homozygotes.

Submissions (4):

Ambry Genetics
Classification: Uncertain significance for Hereditary cancer-predisposing syndrome. Last evaluated: 2025-02-26. Review status: criteria provided, single submitter. Criteria: Ambry Variant Classification Scheme 2023. Collection method: clinical testing. Allele origin: germline.
Comment: The p.E247V variant (also known as c.740A>T), located in coding exon 6 of the FH gene, results from an A to T substitution at nucleotide position 740. The glutamic acid at codon 247 is replaced by valine, an amino acid with dissimilar properties. This amino acid position is highly conserved in available vertebrate species. In addition, this alteration is predicted to be deleterious by in silico analysis. Based on the available evidence, the clinical significance of this variant remains unclear.

Labcorp Genetics (formerly Invitae), Labcorp
Classification: Uncertain significance. Last evaluated: 2024-06-21. Review status: criteria provided, single submitter. Criteria: Invitae Variant Classification Sherloc (09022015). Collection method: clinical testing. Allele origin: germline.
Comment: This sequence change replaces glutamic acid, which is acidic and polar, with valine, which is neutral and non-polar, at codon 247 of the FH protein (p.Glu247Val). This variant is present in population databases (rs201223034, gnomAD 0.0009%). This variant has not been reported in the literature in individuals affected with FH-related conditions. An algorithm developed to predict the effect of missense changes on protein structure and function (PolyPhen-2) suggests that this variant is likely to be disruptive. In summary, the available evidence is currently insufficient to determine the role of this variant in disease. Therefore, it has been classified as a Variant of Uncertain Significance.

GeneDx
Classification: Uncertain significance. Last evaluated: 2023-06-14. Review status: criteria provided, single submitter. Criteria: GeneDx Variant Classification Process June 2021. Collection method: clinical testing. Allele origin: germline. Affected: yes.
Comment: Not observed at significant frequency in large population cohorts (gnomAD); In silico analysis supports that this missense variant has a deleterious effect on protein structure/function; Has not been previously published as pathogenic or benign to our knowledge

Blake Wilde Laboratory, Roswell Park Comprehensive Cancer Center
No classification provided (evidence only). Condition: Hereditary leiomyomatosis and renal cell cancer. Review status: no classification provided. Collection method: in vitro. Allele origin: not applicable. Functional consequence: decreased enzyme activity. Not counted in ClinVar's aggregate classification.

NM_000143.4(FH):c.740A>T (p.Glu247Val)

Gene: FH (fumarate hydratase; minus strand). Cytogenetic location: 1q43.
Variant type: single nucleotide variant.
Coding change: c.740A>T on transcript NM_000143.4 (MANE Select); coding-DNA position 740, A replaced by T.
Protein change: p.Glu247Val; replaces glutamic acid 247 with valine.
Molecular consequence: missense variant.
Genome position (GRCh38, 1-based): chr1:241,506,167, T>A on the plus strand (A>T on the coding strand, the complement: FH is on the minus strand). VCF-style: chr1-241506167-T-A. GRCh37 (hg19) VCF-style: chr1-241669467-T-A.
Other names: short protein forms E247V.
Identifiers: ClinVar variation 3359942 (VCV003359942.4).